The following is an entry in ClinVar:

NM_001376.5(DYNC1H1):c.6235C>G (p.Gln2079Glu)

Gene: DYNC1H1 (dynein cytoplasmic 1 heavy chain 1; plus strand). Cytogenetic location: 14q32.31.
Variant type: single nucleotide variant.
Coding change: c.6235C>G on transcript NM_001376.5 (MANE Select); coding-DNA position 6235, C replaced by G.
Protein change: p.Gln2079Glu; replaces glutamine 2079 with glutamic acid.
Molecular consequence: missense variant.
Genome position (GRCh38, 1-based): chr14:102,010,289, C>G. VCF-style: chr14-102010289-C-G. GRCh37 (hg19) VCF-style: chr14-102476626-C-G.
Other names: short protein forms Q2079E.
Identifiers: ClinVar variation 4802055 (VCV004802055.1).
Genomic context (GRCh38, chr14:102,010,289, plus strand): 5'-TTAAAGTATACTGTTATTAAAGATAGCCTTTTTTTCTTCTTTTCTAGACTATGCGATGAG[C>G]AGCTCTCTTCCCAAAGCCATTATGACTTCGGTCTTCGGGCTTTGAAGAGTGTGCTGGTGA-3'
Protein context (NP_001367.2, residues 2069-2089): IVPFFKLCDE[Gln2079Glu]LSSQSHYDFG

ClinVar aggregate classification (germline): Uncertain significance (1 of 4 stars; one submission).

Conditions:
Charcot-Marie-Tooth disease axonal type 2O. Also called: CHARCOT-MARIE-TOOTH NEUROPATHY, AXONAL, TYPE 2O; CHARCOT-MARIE-TOOTH DISEASE, AXONAL, AUTOSOMAL DOMINANT, TYPE 2O; Charcot-Marie-Tooth Neuropathy Type 2O; Charcot-Marie-Tooth disease, axonal, type 20. Identifiers: Orphanet 284232, MedGen C3280220, MONDO:0013644, OMIM 614228.

Submission:

Labcorp Genetics (formerly Invitae), Labcorp
Classification: Uncertain significance for Charcot-Marie-Tooth disease axonal type 2O. Last evaluated: 2026-01-27. Review status: criteria provided, single submitter. Criteria: Invitae Variant Classification Sherloc (09022015). Collection method: clinical testing. Allele origin: germline.
Comment: This sequence change replaces glutamine, which is neutral and polar, with glutamic acid, which is acidic and polar, at codon 2079 of the DYNC1H1 protein (p.Gln2079Glu). This variant is not present in population databases (gnomAD no frequency). This variant has not been reported in the literature in individuals affected with DYNC1H1-related conditions. Invitae Evidence Modeling of protein sequence and biophysical properties (such as structural, functional, and spatial information, amino acid conservation, physicochemical variation, residue mobility, and thermodynamic stability) has been performed for this missense variant. However, the output from this modeling did not meet the statistical confidence thresholds required to predict the impact of this variant on DYNC1H1 protein function. In summary, the available evidence is currently insufficient to determine the role of this variant in disease. Therefore, it has been classified as a Variant of Uncertain Significance.